The following is an entry in ClinVar:

NM_004425.4(ECM1):c.1242C>T (p.Ile414=)

Gene: ECM1 (extracellular matrix protein 1; plus strand). Cytogenetic location: 1q21.2.
Variant type: single nucleotide variant.
Coding change: c.1242C>T on transcript NM_004425.4 (MANE Select); coding-DNA position 1242, C replaced by T.
Protein change: p.Ile414=; no amino-acid change (isoleucine 414 retained).
Molecular consequence: synonymous variant.
Genome position (GRCh38, 1-based): chr1:150,512,510, C>T. VCF-style: chr1-150512510-C-T. GRCh37 (hg19) VCF-style: chr1-150484986-C-T.
Other names: c.1323C>T, p.Ile441= (NM_001202858.2); c.867C>T, p.Ile289= (NM_022664.3).
Identifiers: ClinVar variation 709803 (VCV000709803.29), dbSNP rs200585596, ClinGen allele CA1077676.

ClinVar aggregate classification (germline): Benign/Likely benign. Review status: criteria provided, multiple submitters, no conflicts (2 of 4 stars). 3 submissions from 3 submitters: Benign (1); Likely benign (2). Last evaluated 2024-08-13.

Allele frequency attached by ClinVar (database versions not stated): TOPMed 0.00043; gnomAD 0.00051 and 0.00053; gnomAD exomes 0.00051 and 0.00053; ExAC 0.00077; 1000 Genomes Project 30x 0.00016; 1000 Genomes Project 0.00020; ESP Exome Variant Server 0.00031.
gnomAD v4.1: 813 of 1,613,898 alleles (0.05%); highest among the groups gnomAD compares: Non-Finnish European, 0.063%; 1 homozygote.

Submissions (3):

Blueprint Genetics
Classification: Likely benign. Last evaluated: 2024-08-13. Review status: criteria provided, single submitter. Criteria: ACMG Guidelines, 2015. Collection method: clinical testing. Allele origin: germline.

CeGaT Center for Human Genetics Tuebingen
Classification: Likely benign. Last evaluated: 2022-08-01. Review status: criteria provided, single submitter. Criteria: CeGaT Center For Human Genetics Tuebingen Variant Classification Criteria Version 2. Collection method: clinical testing. Allele origin: germline. Affected: yes. Observed: 1 variant allele.
Comment: ECM1: BP4, BP7

Labcorp Genetics (formerly Invitae), Labcorp
Classification: Benign. Last evaluated: 2019-12-31. Review status: criteria provided, single submitter. Criteria: Invitae Variant Classification Sherloc (09022015). Collection method: clinical testing. Allele origin: germline.